The following is an entry in ClinVar:

ClinVar aggregate classification (germline): Uncertain significance (1 of 4 stars; one submission).

Conditions:
Charcot-Marie-Tooth disease recessive intermediate C. Also called: CHARCOT-MARIE-TOOTH NEUROPATHY, RECESSIVE INTERMEDIATE C. Identifiers: Orphanet 369867, MedGen C3809309, MONDO:0014154, OMIM 615376.
Neuronopathy, distal hereditary motor, autosomal recessive 4. Also called: Autosomal recessive lower motor neuron disease with childhood onset; NEUROPATHY, DISTAL HEREDITARY MOTOR, AUTOSOMAL RECESSIVE 4. Identifiers: Orphanet 206580, MedGen C1970211, MONDO:0012608, OMIM 611067.

Allele frequency attached by ClinVar (database versions not stated): ExAC 0.00001; gnomAD 0.00001; gnomAD exomes 0.00001 and 0.00003; TOPMed 0.00002.
gnomAD v4.1: 16 of 1,609,580 alleles (0.00099%); highest among the groups gnomAD compares: African/African-American, 0.004%; no homozygotes.

Submission:

Labcorp Genetics (formerly Invitae), Labcorp
Classification: Uncertain significance for Neuronopathy, distal hereditary motor, autosomal recessive 4; Charcot-Marie-Tooth disease recessive intermediate C. Last evaluated: 2021-12-09. Review status: criteria provided, single submitter. Criteria: Invitae Variant Classification Sherloc (09022015). Collection method: clinical testing. Allele origin: germline.
Comment: This sequence change replaces methionine, which is neutral and non-polar, with valine, which is neutral and non-polar, at codon 836 of the PLEKHG5 protein (p.Met836Val). This variant is present in population databases (rs752621606, gnomAD 0.01%). This variant has not been reported in the literature in individuals affected with PLEKHG5-related conditions. ClinVar contains an entry for this variant (Variation ID: 468908). Algorithms developed to predict the effect of missense changes on protein structure and function output the following: SIFT: "Tolerated"; PolyPhen-2: "Benign"; Align-GVGD: "Class C0". The valine amino acid residue is found in multiple mammalian species, which suggests that this missense change does not adversely affect protein function. In summary, the available evidence is currently insufficient to determine the role of this variant in disease. Therefore, it has been classified as a Variant of Uncertain Significance.

NM_020631.6(PLEKHG5):c.2506A>G (p.Met836Val)

Gene: PLEKHG5 (pleckstrin homology and RhoGEF domain containing G5; minus strand). Cytogenetic location: 1p36.31.
Variant type: single nucleotide variant.
Coding change: c.2506A>G on transcript NM_020631.6 (MANE Select); coding-DNA position 2506, A replaced by G.
Protein change: p.Met836Val; replaces methionine 836 with valine.
Molecular consequence: missense variant.
Genome position (GRCh38, 1-based): chr1:6,468,330, T>C on the plus strand (A>G on the coding strand, the complement: PLEKHG5 is on the minus strand). VCF-style: chr1-6468330-T-C. GRCh37 (hg19) VCF-style: chr1-6528390-T-C.
Other names: c.2617A>G, p.Met873Val (NM_001042663.3, NM_001265592.2); c.2506A>G, p.Met836Val (NM_001042664.2, NM_001042665.2, NM_001265594.3 and 1 more transcripts); c.2713A>G, p.Met905Val (NM_001265593.2); short protein forms M836V, M905V, M873V.
Identifiers: ClinVar variation 468908 (VCV000468908.7), dbSNP rs752621606, ClinGen allele CA561144.
Genomic context (GRCh38, chr1:6,468,330, plus strand): 5'-GCGAGGGTGGAGGGGAAGGAACTCGTGGGGACTCTGGGGCCCGAGGCACTAGCTCTGCCA[T>C]TGGGCCTGGGGCCACAAAGTCTTGTAAGGAGGTTGGGGAGAGGGTGCCGTAGGCAGAGTC-3'
Protein context (NP_065682.2, residues 826-846): SLQDFVAPGP[Met836Val]AELVPRAPES